The following is an entry in ClinVar:

NM_003227.4(TFR2):c.73del (p.Arg25fs)

Gene: TFR2 (transferrin receptor 2; minus strand). Cytogenetic location: 7q22.1.
Variant type: Deletion.
Coding change: c.73del on transcript NM_003227.4 (MANE Select); coding-DNA position 73, one base deleted (C; older notation c.73delC).
Protein change: p.Arg25fs; shifts the reading frame from arginine 25.
Molecular consequence: frameshift variant.
Genome position (GRCh38, 1-based): chr7:100,641,189, G deleted on the plus strand (C on the coding strand, the reverse complement: TFR2 is on the minus strand). VCF-style (leftmost placement, unchanged base first): chr7-100641188-CG-C. GRCh37 (hg19) VCF-style: chr7-100238811-CG-C.
Other names: short protein forms R25fs.
Identifiers: ClinVar variation 3007571 (VCV003007571.3), dbSNP rs2486147879, ClinGen allele CA2740097444.

ClinVar aggregate classification (germline): Pathogenic (1 of 4 stars; one submission).

Conditions:
Hereditary hemochromatosis (HFE). Identifiers: MedGen C0392514, MONDO:0006507. Disease mechanism: loss of function.

Submission:

Labcorp Genetics (formerly Invitae), Labcorp
Classification: Pathogenic for Hereditary hemochromatosis. Last evaluated: 2023-10-28. Review status: criteria provided, single submitter. Criteria: Invitae Variant Classification Sherloc (09022015). Collection method: clinical testing. Allele origin: germline.
Comment: This sequence change creates a premature translational stop signal (p.Arg25Valfs*32) in the TFR2 gene. It is expected to result in an absent or disrupted protein product. Loss-of-function variants in TFR2 are known to be pathogenic (PMID: 23600741, 26029709). This variant is not present in population databases (gnomAD no frequency). This variant has not been reported in the literature in individuals affected with TFR2-related conditions. For these reasons, this variant has been classified as Pathogenic.

Literature cited by the submitters: PubMed 23600741; PubMed 26029709.